The following is an entry in ClinVar:

ClinVar aggregate classification (germline): Benign/Likely benign. Review status: criteria provided, multiple submitters, no conflicts (2 of 4 stars). 4 submissions from 4 submitters: Benign (3); Likely benign (1). Last evaluated 2026-04-29.

Conditions:
EMC1-related disorder. Also called: EMC1-related condition.
Retinal dystrophy. Also called: Inherited retinal dystrophy. Identifiers: Orphanet 71862, MedGen C0854723, MeSH D058499, MONDO:0019118, HP:0000556.
Inborn genetic diseases. Identifiers: MedGen C0950123, MeSH D030342.

Allele frequency attached by ClinVar (database versions not stated): gnomAD exomes 0.00021 and 0.00098; gnomAD 0.00041 and 0.00052; TOPMed 0.00051; ExAC 0.00082; 1000 Genomes Project 30x 0.00187; 1000 Genomes Project 0.00220.
gnomAD v4.1: 410 of 1,614,114 alleles (0.025%); highest among the groups gnomAD compares: East Asian, 0.73%; 7 homozygotes.

Submissions (4):

PreventionGenetics, part of Exact Sciences
Classification: Benign for EMC1-related condition. Last evaluated: 2026-04-29. Review status: criteria provided, single submitter. Criteria: ACMG Guidelines, 2015. Collection method: clinical testing. Allele origin: germline.
Comment: This variant is classified as benign based on ACMG/AMP sequence variant interpretation guidelines (Richards et al. 2015 PMID: 25741868, with internal and published modifications).

Labcorp Genetics (formerly Invitae), Labcorp
Classification: Benign. Last evaluated: 2026-01-21. Review status: criteria provided, single submitter. Criteria: Invitae Variant Classification Sherloc (09022015). Collection method: clinical testing. Allele origin: germline.

Dept Of Ophthalmology, Nagoya University
Classification: Benign for Retinal dystrophy. Last evaluated: 2023-10-01. Review status: criteria provided, single submitter. Criteria: Submitter's publication. Collection method: research. Allele origin: germline. Affected: yes.

Ambry Genetics
Classification: Likely benign for Inborn genetic diseases. Last evaluated: 2021-08-30. Review status: criteria provided, single submitter. Criteria: Ambry Variant Classification Scheme 2023. Collection method: clinical testing. Allele origin: germline.

NM_015047.3(EMC1):c.2054G>A (p.Arg685Gln)

Genes: EMC1 (ER membrane protein complex subunit 1; minus strand), EMC1-AS1 (EMC1 antisense RNA 1; plus strand). Cytogenetic location: 1p36.13.
Variant type: single nucleotide variant.
Coding change: c.2054G>A on transcript NM_015047.3 (MANE Select); coding-DNA position 2054, G replaced by A.
Protein change: p.Arg685Gln; replaces arginine 685 with glutamine.
Molecular consequence: missense variant.
Genome position (GRCh38, 1-based): chr1:19,230,854, C>T on the plus strand (G>A on the coding strand, the complement: EMC1 is on the minus strand). VCF-style: chr1-19230854-C-T. GRCh37 (hg19) VCF-style: chr1-19557348-C-T.
Other names: c.2054G>A (NM_015047.1); c.2051G>A, p.Arg684Gln (NM_001271427.2, NM_001271428.2); c.1988G>A, p.Arg663Gln (NM_001271429.2); c.2063G>A, p.Arg688Gln (NM_001375820.1); c.2060G>A, p.Arg687Gln (NM_001375821.1); short protein forms R684Q, R663Q, R685Q, R688Q, R687Q.
Identifiers: ClinVar variation 713444 (VCV000713444.14), dbSNP rs149861361, ClinGen allele CA652420.